The following is an entry in ClinVar:

ClinVar aggregate classification (germline): Uncertain significance (1 of 4 stars; one submission).

Conditions:
Isolated microphthalmia 5. Also called: Posterior Microphthalmia with Retinitis Pigmentosa, Foveoschisis, and Optic Disc Drusen. Identifiers: Orphanet 251279, MedGen C1970236, MONDO:0012605, OMIM 611040.

Submission:

Labcorp Genetics (formerly Invitae), Labcorp
Classification: Uncertain significance for Isolated microphthalmia 5. Last evaluated: 2022-07-13. Review status: criteria provided, single submitter. Criteria: Invitae Variant Classification Sherloc (09022015). Collection method: clinical testing. Allele origin: germline.
Comment: In summary, the available evidence is currently insufficient to determine the role of this variant in disease. Therefore, it has been classified as a Variant of Uncertain Significance. Algorithms developed to predict the effect of sequence changes on RNA splicing suggest that this variant may disrupt the consensus splice site. Algorithms developed to predict the effect of missense changes on protein structure and function are either unavailable or do not agree on the potential impact of this missense change (SIFT: "Deleterious"; PolyPhen-2: "Possibly Damaging"; Align-GVGD: "Class C0"). This variant has not been reported in the literature in individuals affected with MFRP-related conditions. This variant is not present in population databases (gnomAD no frequency). This sequence change replaces aspartic acid, which is acidic and polar, with histidine, which is basic and polar, at codon 42 of the MFRP protein (p.Asp42His).

NM_031433.4(MFRP):c.124G>C (p.Asp42His)

Genes: C1QTNF5 (C1q and TNF related 5; minus strand), MFRP (membrane frizzled-related protein; minus strand). Cytogenetic location: 11q23.3.
Variant type: single nucleotide variant.
Coding change: c.124G>C on transcript NM_031433.4 (MANE Select); coding-DNA position 124, G replaced by C.
Protein change: p.Asp42His; replaces aspartic acid 42 with histidine.
Molecular consequence: missense variant. On other transcripts: 5 prime UTR variant (1).
Genome position (GRCh38, 1-based): chr11:119,346,305, C>G on the plus strand (G>C on the coding strand, the complement: MFRP is on the minus strand). VCF-style: chr11-119346305-C-G. GRCh37 (hg19) VCF-style: chr11-119217015-C-G.
Other names: c.-2513G>C (NM_015645.5); short protein forms D42H.
Identifiers: ClinVar variation 1950637 (VCV001950637.4), dbSNP rs2497095130, ClinGen allele CA382979664.